The following is an entry in ClinVar:

ClinVar aggregate classification (germline): Uncertain significance. Review status: criteria provided, multiple submitters, no conflicts (2 of 4 stars). 3 submissions from 3 submitters: Uncertain significance (3). Last evaluated 2025-02-15.

Conditions:
Hereditary cancer-predisposing syndrome. Also called: Neoplastic Syndromes, Hereditary; Tumor predisposition; Hereditary Cancer Syndrome; Hereditary neoplastic syndrome. Identifiers: Orphanet 140162, MedGen C0027672, MeSH D009386, MONDO:0015356.
BAP1-related tumor predisposition syndrome (TPDS1). Also called: Tumor susceptibility linked to germline BAP1 mutations; COMMON Syndrome; TUMOR PREDISPOSITION SYNDROME 1; BAP1 tumor predisposition syndrome. Identifiers: Orphanet 289539, MedGen C3280492, MONDO:0013692, OMIM 614327.

Submissions (3):

Labcorp Genetics (formerly Invitae), Labcorp
Classification: Uncertain significance for BAP1-related tumor predisposition syndrome. Last evaluated: 2025-02-15. Review status: criteria provided, single submitter. Criteria: Invitae Variant Classification Sherloc (09022015). Collection method: clinical testing. Allele origin: germline.
Comment: This sequence change replaces lysine, which is basic and polar, with asparagine, which is neutral and polar, at codon 612 of the BAP1 protein (p.Lys612Asn). This variant is not present in population databases (gnomAD no frequency). This variant has not been reported in the literature in individuals affected with BAP1-related conditions. ClinVar contains an entry for this variant (Variation ID: 923942). Invitae Evidence Modeling of protein sequence and biophysical properties (such as structural, functional, and spatial information, amino acid conservation, physicochemical variation, residue mobility, and thermodynamic stability) indicates that this missense variant is not expected to disrupt BAP1 protein function with a negative predictive value of 80%. In summary, the available evidence is currently insufficient to determine the role of this variant in disease. Therefore, it has been classified as a Variant of Uncertain Significance.

Ambry Genetics
Classification: Uncertain significance for Hereditary cancer-predisposing syndrome. Last evaluated: 2024-03-27. Review status: criteria provided, single submitter. Criteria: Ambry Variant Classification Scheme 2023. Collection method: clinical testing. Allele origin: germline.
Comment: The p.K612N variant (also known as c.1836G>C), located in coding exon 14 of the BAP1 gene, results from a G to C substitution at nucleotide position 1836. The lysine at codon 612 is replaced by asparagine, an amino acid with similar properties. This amino acid position is conserved. In addition, this alteration is predicted to be tolerated by in silico analysis. Based on the available evidence, the clinical significance of this alteration remains unclear.

Color Diagnostics, LLC DBA Color Health
Classification: Uncertain significance for Hereditary cancer-predisposing syndrome. Last evaluated: 2024-03-06. Review status: criteria provided, single submitter. Criteria: ACMG Guidelines, 2015. Collection method: clinical testing. Allele origin: germline.
Comment: This missense variant replaces lysine with asparagine at codon 612 of the BAP1 protein. Computational prediction suggests that this variant may not impact protein structure and function (internally defined REVEL score threshold <= 0.5, PMID: 27666373). To our knowledge, functional studies have not been reported for this variant. This variant has not been reported in individuals affected with hereditary cancer in the literature. This variant has not been identified in the general population by the Genome Aggregation Database (gnomAD). The available evidence is insufficient to determine the role of this variant in disease conclusively. Therefore, this variant is classified as a Variant of Uncertain Significance.

NM_004656.4(BAP1):c.1836G>C (p.Lys612Asn)

Gene: BAP1 (BRCA1 associated deubiquitinase 1; minus strand). Cytogenetic location: 3p21.1.
Variant type: single nucleotide variant.
Coding change: c.1836G>C on transcript NM_004656.4 (MANE Select); coding-DNA position 1836, G replaced by C.
Protein change: p.Lys612Asn; replaces lysine 612 with asparagine.
Molecular consequence: missense variant.
Genome position (GRCh38, 1-based): chr3:52,403,192, C>G on the plus strand (G>C on the coding strand, the complement: BAP1 is on the minus strand). VCF-style: chr3-52403192-C-G. GRCh37 (hg19) VCF-style: chr3-52437208-C-G.
Other names: c.1836G>C (NM_004656.2); short protein forms K612N.
Identifiers: ClinVar variation 923942 (VCV000923942.13), dbSNP rs1705022802, ClinGen allele CA353098283.